The following is an entry in ClinVar:

ClinVar aggregate classification (germline): Benign/Likely benign. Review status: criteria provided, multiple submitters, no conflicts (2 of 4 stars). 3 submissions from 3 submitters: Benign (1); Likely benign (2). Last evaluated 2025-08-08.

Conditions:
Juvenile polyposis syndrome (JPS). Identifiers: Orphanet 2929, MedGen C0345893, MONDO:0017380, OMIM 174900.
Hereditary cancer-predisposing syndrome. Also called: Hereditary neoplastic syndrome; Tumor predisposition; Neoplastic Syndromes, Hereditary; Hereditary Cancer Syndrome. Identifiers: Orphanet 140162, MedGen C0027672, MeSH D009386, MONDO:0015356.

Submissions (3):

Ambry Genetics
Classification: Likely benign for Hereditary cancer-predisposing syndrome. Last evaluated: 2025-08-08. Review status: criteria provided, single submitter. Criteria: Ambry Variant Classification Scheme 2023. Collection method: clinical testing. Allele origin: germline.

Myriad Genetics, Inc.
Classification: Benign for Juvenile polyposis syndrome. Last evaluated: 2024-07-30. Review status: criteria provided, single submitter. Criteria: Myriad Autosomal Dominant, Autosomal Recessive and X-Linked Classification Criteria (2023). Collection method: clinical testing. Allele origin: unknown.
Comment: This variant is considered benign. This variant is a silent/synonymous amino acid change and it is not expected to impact splicing.

Labcorp Genetics (formerly Invitae), Labcorp
Classification: Likely benign for Juvenile polyposis syndrome. Last evaluated: 2019-03-30. Review status: criteria provided, single submitter. Criteria: Invitae Variant Classification Sherloc (09022015). Collection method: clinical testing. Allele origin: germline.

NM_004329.3(BMPR1A):c.21C>T (p.Tyr7=)

Gene: BMPR1A (bone morphogenetic protein receptor type 1A; plus strand). Cytogenetic location: 10q23.2.
Variant type: single nucleotide variant.
Coding change: c.21C>T on transcript NM_004329.3 (MANE Select); coding-DNA position 21, C replaced by T.
Protein change: p.Tyr7=; no amino-acid change (tyrosine 7 retained).
Molecular consequence: synonymous variant.
Genome position (GRCh38, 1-based): chr10:86,876,039, C>T. VCF-style: chr10-86876039-C-T. GRCh37 (hg19) VCF-style: chr10-88635796-C-T.
Other names: c.21C>T (NM_004329.2).
Identifiers: ClinVar variation 1139043 (VCV001139043.11), dbSNP rs2133321194, ClinGen allele CA470365296.